The following is an entry in ClinVar:

NC_000002.11:g.(?_179419384)_(179419787_?)dup

Gene: TTN (titin; minus strand). Cytogenetic location: 2q31.2.
Variant type: Duplication.
Identifiers: ClinVar variation 1504843 (VCV001504843.6).

ClinVar aggregate classification (germline): Likely pathogenic (1 of 4 stars; one submission).

Conditions:
Dilated cardiomyopathy 1G (CMD1G). Identifiers: Orphanet 154, MedGen C1858763, MONDO:0011400, OMIM 604145.
Autosomal recessive limb-girdle muscular dystrophy type 2J (LGMDR10). Also called: MUSCULAR DYSTROPHY, LIMB-GIRDLE, AUTOSOMAL RECESSIVE 10; Limb-girdle muscular dystrophy, type 2J. Identifiers: Orphanet 140922, MedGen C1837342, MONDO:0012127, OMIM 608807.

Submission:

Labcorp Genetics (formerly Invitae), Labcorp
Classification: Likely pathogenic for Dilated cardiomyopathy 1G; Autosomal recessive limb-girdle muscular dystrophy type 2J. Last evaluated: 2021-07-17. Review status: criteria provided, single submitter. Criteria: Invitae Variant Classification Sherloc (09022015). Collection method: clinical testing. Allele origin: germline.
Comment: This variant has not been reported in the literature in individuals affected with TTN-related conditions. In summary, the currently available evidence indicates that the variant is pathogenic, but additional data are needed to prove that conclusively. Therefore, this variant has been classified as Likely Pathogenic. This variant is located in the A band of TTN (PMID: 25589632). Truncating variants in this region are significantly overrepresented in patients affected with dilated cardiomyopathy (PMID: 25589632). Truncating variants in this region have also been reported in individuals affected with autosomal recessive centronuclear myopathy (PMID: 23975875). This sequence change creates a premature translational stop signal (p.Ala29564Glufs*7) in the TTN gene. While this is not anticipated to result in nonsense mediated decay, it is expected to create a truncated TTN protein.

Literature cited by the submitters: PubMed 25589632; PubMed 23975875.